The following is an entry in ClinVar:

ClinVar aggregate classification (germline): Uncertain significance (1 of 4 stars; one submission).

gnomAD v4.1: 1 of 1,613,888 alleles (0.000062%); no homozygotes.

Submission:

Labcorp Genetics (formerly Invitae), Labcorp
Classification: Uncertain significance. Last evaluated: 2025-07-21. Review status: criteria provided, single submitter. Criteria: Invitae Variant Classification Sherloc (09022015). Collection method: clinical testing. Allele origin: germline.
Comment: This sequence change replaces glutamine, which is neutral and polar, with arginine, which is basic and polar, at codon 3166 of the PCLO protein (p.Gln3166Arg). This variant is not present in population databases (gnomAD no frequency). This variant has not been reported in the literature in individuals affected with PCLO-related conditions. Experimental studies and prediction algorithms are not available or were not evaluated, and the functional significance of this variant is currently unknown. In summary, the available evidence is currently insufficient to determine the role of this variant in disease. Therefore, it has been classified as a Variant of Uncertain Significance.

NM_033026.6(PCLO):c.9497A>G (p.Gln3166Arg)

Gene: PCLO (piccolo presynaptic cytomatrix protein; minus strand). Cytogenetic location: 7q21.11.
Variant type: single nucleotide variant.
Coding change: c.9497A>G on transcript NM_033026.6 (MANE Select); coding-DNA position 9497, A replaced by G.
Protein change: p.Gln3166Arg; replaces glutamine 3166 with arginine.
Molecular consequence: missense variant.
Genome position (GRCh38, 1-based): chr7:82,951,091, T>C on the plus strand (A>G on the coding strand, the complement: PCLO is on the minus strand). VCF-style: chr7-82951091-T-C. GRCh37 (hg19) VCF-style: chr7-82580407-T-C.
Other names: c.9497A>G, p.Gln3166Arg (NM_014510.3); short protein forms Q3166R.
Identifiers: ClinVar variation 4699902 (VCV004699902.1).